The following is an entry in ClinVar:

ClinVar aggregate classification (germline): Uncertain significance (1 of 4 stars; one submission).

Allele frequency attached by ClinVar (database versions not stated): gnomAD exomes below 0.00001; TOPMed below 0.00001.
gnomAD v4.1: 2 of 1,595,486 alleles (0.00013%); highest among the groups gnomAD compares: African/African-American, 0.0013%; no homozygotes.

Submission:

GeneDx
Classification: Uncertain significance. Last evaluated: 2023-05-10. Review status: criteria provided, single submitter. Criteria: GeneDx Variant Classification Process June 2021. Collection method: clinical testing. Allele origin: germline. Affected: yes.
Comment: Not observed at significant frequency in large population cohorts (gnomAD); In silico analysis supports that this missense variant does not alter protein structure/function; Has not been previously published as pathogenic or benign to our knowledge

NM_018026.4(PACS1):c.2441G>A (p.Ser814Asn)

Gene: PACS1 (phosphofurin acidic cluster sorting protein 1; plus strand). Cytogenetic location: 11q13.2.
Variant type: single nucleotide variant.
Coding change: c.2441G>A on transcript NM_018026.4 (MANE Select); coding-DNA position 2441, G replaced by A.
Protein change: p.Ser814Asn; replaces serine 814 with asparagine.
Molecular consequence: missense variant.
Genome position (GRCh38, 1-based): chr11:66,241,438, G>A. VCF-style: chr11-66241438-G-A. GRCh37 (hg19) VCF-style: chr11-66008909-G-A.
Other names: short protein forms S814N.
Identifiers: ClinVar variation 2662281 (VCV002662281.1), dbSNP rs993786947, ClinGen allele CA224039457.